The following is an entry in ClinVar:

NM_012470.4(TNPO3):c.76G>T (p.Gly26Ter)

Genes: TNPO3 (transportin 3; minus strand), LOC129999289 (ATAC-STARR-seq lymphoblastoid active region 26616; plus strand). Cytogenetic location: 7q32.1.
Variant type: single nucleotide variant.
Coding change: c.76G>T on transcript NM_012470.4 (MANE Select); coding-DNA position 76, G replaced by T.
Protein change: p.Gly26Ter; replaces glycine 26 with a stop codon.
Molecular consequence: nonsense. On other transcripts: non-coding transcript variant (18).
Genome position (GRCh38, 1-based): chr7:129,054,695, C>A on the plus strand (G>T on the coding strand, the complement: TNPO3 is on the minus strand). VCF-style: chr7-129054695-C-A. GRCh37 (hg19) VCF-style: chr7-128694749-C-A.
Other names: c.76G>T, p.Gly26Ter (NM_001191028.3, NM_001382216.1, NM_001382217.1 and 6 more transcripts); short protein forms G26*.
Identifiers: ClinVar variation 2043384 (VCV002043384.4), dbSNP rs2150586075, ClinGen allele CA369229448.
Genomic context (GRCh38, chr7:129,054,695, plus strand): 5'-TCTCTGGGCCCCTCACCGAACGCTGCAGCTCCCCAAGCCAAAAAGAGGCGCGCTCCTTTC[C>A]GCTGGGATCTGGGTCGTGGTAAAGCGCCTGCACTGCCTGGTACACGAGCTGCAATGTCGG-3'

ClinVar aggregate classification (germline): Uncertain significance (1 of 4 stars; one submission).

Conditions:
Autosomal dominant limb-girdle muscular dystrophy type 1F (LGMDD2). Also called: Limb-girdle muscular dystrophy, type 1F; MUSCULAR DYSTROPHY, LIMB-GIRDLE, AUTOSOMAL DOMINANT 2. Identifiers: Orphanet 55595, MedGen C1842062, MONDO:0012034, OMIM 608423.

Submission:

Labcorp Genetics (formerly Invitae), Labcorp
Classification: Uncertain significance for Autosomal dominant limb-girdle muscular dystrophy type 1F. Last evaluated: 2023-08-17. Review status: criteria provided, single submitter. Criteria: Invitae Variant Classification Sherloc (09022015). Collection method: clinical testing. Allele origin: germline.
Comment: In summary, the available evidence is currently insufficient to determine the role of this variant in disease. Therefore, it has been classified as a Variant of Uncertain Significance. ClinVar contains an entry for this variant (Variation ID: 2043384). This variant has not been reported in the literature in individuals affected with TNPO3-related conditions. This variant is not present in population databases (gnomAD no frequency). This sequence change creates a premature translational stop signal (p.Gly26*) in the TNPO3 gene. It is expected to result in an absent or disrupted protein product. However, the current clinical and genetic evidence is not sufficient to establish whether loss-of-function variants in TNPO3 cause disease.